The following is an entry in ClinVar:

NM_001190274.2(FBXO11):c.1673G>C (p.Arg558Pro)

Gene: FBXO11 (F-box protein 11; minus strand). Cytogenetic location: 2p16.3.
Variant type: single nucleotide variant.
Coding change: c.1673G>C on transcript NM_001190274.2 (MANE Select); coding-DNA position 1673, G replaced by C.
Protein change: p.Arg558Pro; replaces arginine 558 with proline.
Molecular consequence: missense variant.
Genome position (GRCh38, 1-based): chr2:47,822,247, C>G on the plus strand (G>C on the coding strand, the complement: FBXO11 is on the minus strand). VCF-style: chr2-47822247-C-G. GRCh37 (hg19) VCF-style: chr2-48049386-C-G.
Other names: c.1421G>C, p.Arg474Pro (NM_001374325.1, NM_025133.4); short protein forms R474P, R558P.
Identifiers: ClinVar variation 2573464 (VCV002573464.1), dbSNP rs974707834, ClinGen allele CA346764495.

ClinVar aggregate classification (germline): Uncertain significance (1 of 4 stars; one submission).

Submission:

Women's Health and Genetics/Laboratory Corporation of America, LabCorp
Classification: Uncertain significance. Last evaluated: 2023-06-19. Review status: criteria provided, single submitter. Criteria: LabCorp Variant Classification Summary - May 2015. Collection method: clinical testing. Allele origin: germline.
Comment: Variant summary: FBXO11 c.1673G>C (p.Arg558Pro) results in a non-conservative amino acid change in the encoded protein sequence. Four of five in-silico tools predict a damaging effect of the variant on protein function. The variant was absent in 243060 control chromosomes. The available data on variant occurrences in the general population are insufficient to allow any conclusion about variant significance. To our knowledge, no occurrence of c.1673G>C in individuals affected with Intellectual Developmental Disorder With Dysmorphic Facies And Behavioral Abnormalities and no experimental evidence demonstrating its impact on protein function have been reported. No submitters have cited clinical-significance assessments for this variant to ClinVar after 2014. Based on the evidence outlined above, the variant was classified as uncertain significance.